The following is an entry in ClinVar:

NM_020937.4(FANCM):c.1592A>T (p.Gln531Leu)

Gene: FANCM (FA complementation group M; plus strand). Cytogenetic location: 14q21.2.
Variant type: single nucleotide variant.
Coding change: c.1592A>T on transcript NM_020937.4 (MANE Select); coding-DNA position 1592, A replaced by T.
Protein change: p.Gln531Leu; replaces glutamine 531 with leucine.
Molecular consequence: missense variant.
Genome position (GRCh38, 1-based): chr14:45,164,369, A>T. VCF-style: chr14-45164369-A-T. GRCh37 (hg19) VCF-style: chr14-45633572-A-T.
Other names: c.1514A>T, p.Gln505Leu (NM_001308133.2); c.1592A>T, p.Gln531Leu (NM_001308134.2); short protein forms Q531L, Q505L.
Identifiers: ClinVar variation 3512961 (VCV003512961.1).
Genomic context (GRCh38, chr14:45,164,369, plus strand): 5'-CAGTTCTCTTACATTTGCATGTAGTTATTTTTCAATTGTTTTTATTTTAGGTAGTGAAAC[A>T]GTTTCGTGACGGTGGTTACAACACGCTGGTTTCTACCTGTGTGGGTGAAGAAGGTTTGGA-3'
Protein context (NP_065988.1, residues 521-541): TQKEQLEVVK[Gln531Leu]FRDGGYNTLV

ClinVar aggregate classification (germline): Uncertain significance (1 of 4 stars; one submission).

Conditions:
Inborn genetic diseases. Identifiers: MedGen C0950123, MeSH D030342.

gnomAD v4.1: 2 of 1,612,098 alleles (0.00012%); highest among the groups gnomAD compares: Non-Finnish European, 0.000085%; no homozygotes.

Submission:

Ambry Genetics
Classification: Uncertain significance for Inborn genetic diseases. Last evaluated: 2024-12-01. Review status: criteria provided, single submitter. Criteria: Ambry Variant Classification Scheme 2023. Collection method: clinical testing. Allele origin: germline.
Comment: The p.Q531L variant (also known as c.1592A>T), located in coding exon 10 of the FANCM gene, results from an A to T substitution at nucleotide position 1592. The glutamine at codon 531 is replaced by leucine, an amino acid with dissimilar properties. This amino acid position is conserved. In addition, this alteration is predicted to be tolerated by in silico analysis. Based on the available evidence, the clinical significance of this variant remains unclear.